The following is an entry in ClinVar:

NM_006121.4(KRT1):c.1454T>A (p.Leu485His)

Gene: KRT1 (keratin 1; minus strand). Cytogenetic location: 12q13.13.
Variant type: single nucleotide variant.
Coding change: c.1454T>A on transcript NM_006121.4 (MANE Select); coding-DNA position 1454, T replaced by A.
Protein change: p.Leu485His; replaces leucine 485 with histidine.
Molecular consequence: missense variant.
Genome position (GRCh38, 1-based): chr12:52,676,296, A>T on the plus strand (T>A on the coding strand, the complement: KRT1 is on the minus strand). VCF-style: chr12-52676296-A-T. GRCh37 (hg19) VCF-style: chr12-53070080-A-T.
Other names: short protein forms L485H.
Identifiers: ClinVar variation 2771357 (VCV002771357.3), dbSNP rs267607430, ClinGen allele CA384962232.

ClinVar aggregate classification (germline): Likely pathogenic (1 of 4 stars; one submission).

Submission:

Labcorp Genetics (formerly Invitae), Labcorp
Classification: Likely pathogenic. Last evaluated: 2023-10-23. Review status: criteria provided, single submitter. Criteria: Invitae Variant Classification Sherloc (09022015). Collection method: clinical testing. Allele origin: germline.
Comment: This sequence change replaces leucine, which is neutral and non-polar, with histidine, which is basic and polar, at codon 485 of the KRT1 protein (p.Leu485His). This variant is not present in population databases (gnomAD no frequency). This missense change has been observed in individual(s) with clinical features of KRT1-related conditions (Invitae). Advanced modeling of protein sequence and biophysical properties (such as structural, functional, and spatial information, amino acid conservation, physicochemical variation, residue mobility, and thermodynamic stability) performed at Invitae indicates that this missense variant is expected to disrupt KRT1 protein function with a positive predictive value of 80%. This variant disrupts the p.Leu485 amino acid residue in KRT1. Other variant(s) that disrupt this residue have been determined to be pathogenic (PMID: 21271994; Invitae). This suggests that this residue is clinically significant, and that variants that disrupt this residue are likely to be disease-causing. In summary, the currently available evidence indicates that the variant is pathogenic, but additional data are needed to prove that conclusively. Therefore, this variant has been classified as Likely Pathogenic.

Literature cited by the submitters: PubMed 21271994.